The following is an entry in ClinVar:

NM_001347721.2(DYRK1A):c.765_767del (p.Lys255_Phe256delinsAsn)

Gene: DYRK1A (dual specificity tyrosine phosphorylation regulated kinase 1A; plus strand). Cytogenetic location: 21q22.13.
Variant type: Deletion.
Coding change: c.765_767del on transcript NM_001347721.2 (MANE Select); coding-DNA positions 765 to 767, 3 bases deleted (GTT; older notation c.765_767delGTT).
Protein change: p.Lys255_Phe256delinsAsn.
Molecular consequence: inframe indel.
Genome position (GRCh38, 1-based): chr21:37,490,302-37,490,304, GTT deleted. VCF-style (leftmost placement, unchanged base first): chr21-37490301-AGTT-A. GRCh37 (hg19) VCF-style: chr21-38862603-AGTT-A.
Other names: c.765_767del, p.Lys255_Phe256delinsAsn (NM_001347722.2, NM_130436.2); c.678_680del, p.Lys226_Phe227delinsAsn (NM_001347723.2); c.792_794del, p.Lys264_Phe265delinsAsn (NM_001396.5, NM_101395.2, NM_130438.2).
Identifiers: ClinVar variation 504059 (VCV000504059.2), dbSNP rs1555984238, ClinGen allele CA658799439.
Genomic context (GRCh38, chr21:37,490,301, plus strand): 5'-ACCTCTATGACTTGCTGAGAAACACCAATTTCCGAGGGGTCTCTTTGAACCTAACACGAA[AGTT>A]TGCGCAACAGATGTGCACTGCACTGCTTTTCCTTGCGACTCCAGAACTTAGTATCATTCA-3'

ClinVar aggregate classification (germline): Pathogenic (1 of 4 stars; one submission).

Submission:

GeneDx
Classification: Pathogenic. Last evaluated: 2018-01-29. Review status: criteria provided, single submitter. Criteria: GeneDx Variant Classification (06012015). Collection method: clinical testing. Allele origin: germline. Affected: yes.
Comment: The c.792_794delGTT variant has not been published as a pathogenic variant, nor has it been reported as a benign variant to our knowledge. The cc.792_794delGTT variant is not observed in large population cohorts (Lek et al., 2016). The c.792_794delGTT variant results in an in-frame replacement of 2 correct amino acids with 1 incorrect amino acid denoted p.Lys264_Phe265delinsAsn. In silico analyses, including protein predictors and evolutionary conservation, support a deleterious effect.